The following is an entry in ClinVar:

NM_003620.4(PPM1D):c.32T>C (p.Val11Ala)

Gene: PPM1D (protein phosphatase, Mg2+/Mn2+ dependent 1D; plus strand). Cytogenetic location: 17q23.2.
Variant type: single nucleotide variant.
Coding change: c.32T>C on transcript NM_003620.4 (MANE Select); coding-DNA position 32, T replaced by C.
Protein change: p.Val11Ala; replaces valine 11 with alanine.
Molecular consequence: missense variant.
Genome position (GRCh38, 1-based): chr17:60,600,446, T>C. VCF-style: chr17-60600446-T-C. GRCh37 (hg19) VCF-style: chr17-58677807-T-C.
Other names: short protein forms V11A.
Identifiers: ClinVar variation 5040207 (VCV005040207.1).
Genomic context (GRCh38, chr17:60,600,446, plus strand): 5'-GGGACCGGCGGGATCCCGGCCAGCCGGCCATGGCGGGGCTGTACTCGCTGGGAGTGAGCG[T>C]CTTCTCCGACCAGGGCGGGAGGAAGTACATGGAGGACGTTACTCAAATCGTTGTGGAGCC-3'
Protein context (NP_003611.1, residues 1-21): MAGLYSLGVS[Val11Ala]FSDQGGRKYM

ClinVar aggregate classification (germline): Likely benign (1 of 4 stars; one submission).

gnomAD v4.1: 7 of 1,561,184 alleles (0.00045%); highest among the groups gnomAD compares: African/African-American, 0.0014%; no homozygotes.

Submission:

CeGaT Center for Human Genetics Tuebingen
Classification: Likely benign. Last evaluated: 2026-07-01. Review status: criteria provided, single submitter. Criteria: CeGaT Center For Human Genetics Tuebingen Variant Classification Criteria Version 2. Collection method: clinical testing. Allele origin: germline. Affected: yes. Observed: 1 variant allele.
Comment: PPM1D: PP2, BS2